The following is an entry in ClinVar:

NM_001267550.2(TTN):c.83360G>A (p.Trp27787Ter)

Genes: TTN (titin; minus strand), TTN-AS1 (TTN antisense RNA 1; plus strand). Cytogenetic location: 2q31.2.
Variant type: single nucleotide variant.
Coding change: c.83360G>A on transcript NM_001267550.2 (MANE Select); coding-DNA position 83360, G replaced by A.
Protein change: p.Trp27787Ter; replaces tryptophan 27787 with a stop codon.
Molecular consequence: nonsense.
Genome position (GRCh38, 1-based): chr2:178,562,772, C>T on the plus strand (G>A on the coding strand, the complement: TTN is on the minus strand). VCF-style: chr2-178562772-C-T. GRCh37 (hg19) VCF-style: chr2-179427499-C-T.
Other names: c.78437G>A, p.Trp26146Ter (NM_001256850.1); c.56165G>A, p.Trp18722Ter (NM_003319.4); c.75656G>A, p.Trp25219Ter (NM_133378.4); c.56540G>A, p.Trp18847Ter (NM_133432.3); c.56741G>A, p.Trp18914Ter (NM_133437.4); short protein forms W18722*, W18847*, W18914*, W25219*, W26146*, W27787*.
Identifiers: ClinVar variation 3223309 (VCV003223309.1), dbSNP rs2468134625, ClinGen allele CA349568058.

ClinVar aggregate classification (germline): Likely pathogenic (1 of 4 stars; one submission).

Conditions:
Cardiovascular phenotype. Identifiers: MedGen CN230736.

Submission:

Ambry Genetics
Classification: Likely pathogenic for Cardiovascular phenotype. Last evaluated: 2023-09-18. Review status: criteria provided, single submitter. Criteria: Ambry Variant Classification Scheme 2023. Collection method: clinical testing. Allele origin: germline.
Comment: The p.W18722* variant (also known as c.56165G>A), located in coding exon 153 of the TTN gene, results from a G to A substitution at nucleotide position 56165. This changes the amino acid from a tryptophan to a stop codon within coding exon 153. This exon is located in the A-band region of the N2-B isoform of the titin protein and is constitutively expressed in TTN transcripts (percent spliced in or PSI 100%). This variant is considered to be rare based on population cohorts in the Genome Aggregation Database (gnomAD). This alteration is expected to result in loss of function by premature protein truncation or nonsense-mediated mRNA decay. While truncating variants in TTN are present in 1-3% of the general population, truncating variants in the A-band are the most common cause of dilated cardiomyopathy (DCM) (Herman DS et al. N. Engl. J. Med., 2012 Feb;366:619-28; Roberts AM et al. Sci Transl Med, 2015 Jan;7:270ra6). TTN truncating variants encoded in constitutive exons (PSI >90%) have been found to be significantly associated with DCM regardless of their position in titin (Schafer S et al. Nat. Genet., 2017 01;49:46-53). Based on the majority of available evidence to date, this variant is likely to be pathogenic.